The following is an entry in ClinVar:

ClinVar aggregate classification (germline): Uncertain significance (1 of 4 stars; one submission).

gnomAD v4.1: 1 of 1,613,922 alleles (0.000062%); highest among the groups gnomAD compares: Non-Finnish European, 0.000085%; no homozygotes.

Submission:

Labcorp Genetics (formerly Invitae), Labcorp
Classification: Uncertain significance. Last evaluated: 2024-10-25. Review status: criteria provided, single submitter. Criteria: Invitae Variant Classification Sherloc (09022015). Collection method: clinical testing. Allele origin: germline.
Comment: This sequence change replaces cysteine, which is neutral and slightly polar, with serine, which is neutral and polar, at codon 4948 of the USH2A protein (p.Cys4948Ser). This variant is present in population databases (no rsID available, gnomAD 0.0009%). This variant has not been reported in the literature in individuals affected with USH2A-related conditions. ClinVar contains an entry for this variant (Variation ID: 1907251). Invitae Evidence Modeling of protein sequence and biophysical properties (such as structural, functional, and spatial information, amino acid conservation, physicochemical variation, residue mobility, and thermodynamic stability) indicates that this missense variant is not expected to disrupt USH2A protein function with a negative predictive value of 95%. In summary, the available evidence is currently insufficient to determine the role of this variant in disease. Therefore, it has been classified as a Variant of Uncertain Significance.

NM_206933.4(USH2A):c.14843G>C (p.Cys4948Ser)

Gene: USH2A (usherin; minus strand). Cytogenetic location: 1q41.
Variant type: single nucleotide variant.
Coding change: c.14843G>C on transcript NM_206933.4 (MANE Select); coding-DNA position 14843, G replaced by C.
Protein change: p.Cys4948Ser; replaces cysteine 4948 with serine.
Molecular consequence: missense variant.
Genome position (GRCh38, 1-based): chr1:215,640,683, C>G on the plus strand (G>C on the coding strand, the complement: USH2A is on the minus strand). VCF-style: chr1-215640683-C-G. GRCh37 (hg19) VCF-style: chr1-215814025-C-G.
Other names: short protein forms C4948S.
Identifiers: ClinVar variation 1907251 (VCV001907251.5), dbSNP rs1342140576, ClinGen allele CA344828266.